The following is an entry in ClinVar:

ClinVar aggregate classification (germline): Uncertain significance (1 of 4 stars; one submission).

Submission:

Labcorp Genetics (formerly Invitae), Labcorp
Classification: Uncertain significance. Last evaluated: 2024-07-23. Review status: criteria provided, single submitter. Criteria: Invitae Variant Classification Sherloc (09022015). Collection method: clinical testing. Allele origin: germline.
Comment: This sequence change replaces leucine, which is neutral and non-polar, with proline, which is neutral and non-polar, at codon 42 of the COL11A1 protein (p.Leu42Pro). This variant is not present in population databases (gnomAD no frequency). This variant has not been reported in the literature in individuals affected with COL11A1-related conditions. An algorithm developed to predict the effect of missense changes on protein structure and function (PolyPhen-2) suggests that this variant is likely to be disruptive. In summary, the available evidence is currently insufficient to determine the role of this variant in disease. Therefore, it has been classified as a Variant of Uncertain Significance.

NM_001854.4(COL11A1):c.125T>C (p.Leu42Pro)

Gene: COL11A1 (collagen type XI alpha 1 chain; minus strand). Cytogenetic location: 1p21.1.
Variant type: single nucleotide variant.
Coding change: c.125T>C on transcript NM_001854.4 (MANE Select); coding-DNA position 125, T replaced by C.
Protein change: p.Leu42Pro; replaces leucine 42 with proline.
Molecular consequence: missense variant. On other transcripts: non-coding transcript variant (1).
Genome position (GRCh38, 1-based): chr1:103,082,954, A>G on the plus strand (T>C on the coding strand, the complement: COL11A1 is on the minus strand). VCF-style: chr1-103082954-A-G. GRCh37 (hg19) VCF-style: chr1-103548510-A-G.
Other names: c.125T>C, p.Leu42Pro (NM_001168249.1, NM_001190709.2, NM_080629.3 and 1 more transcripts); short protein forms L42P.
Identifiers: ClinVar variation 2744864 (VCV002744864.3), dbSNP rs2526238537, ClinGen allele CA341168890.
Genomic context (GRCh38, chr1:103,082,954, plus strand): 5'-GTGCAAAATCCCGTTGTTTTTGATATTCCCTCTGGAGAATTGTGAAAATCTAGTGCTTTT[A>G]GTACATCAACTGGAGCAGCTGAAAAATAAGCAAACAATAAAAAACCAGAATTGAACAACG-3'
Protein context (NP_001845.3, residues 32-52): EVRGAAPVDV[Leu42Pro]KALDFHNSPE